The following is an entry in ClinVar:

NM_022370.4(ROBO3):c.1379A>G (p.Gln460Arg)

Gene: ROBO3 (roundabout guidance receptor 3; plus strand). Cytogenetic location: 11q24.2.
Variant type: single nucleotide variant.
Coding change: c.1379A>G on transcript NM_022370.4 (MANE Select); coding-DNA position 1379, A replaced by G.
Protein change: p.Gln460Arg; replaces glutamine 460 with arginine.
Molecular consequence: missense variant.
Genome position (GRCh38, 1-based): chr11:124,872,932, A>G. VCF-style: chr11-124872932-A-G. GRCh37 (hg19) VCF-style: chr11-124742828-A-G.
Other names: short protein forms Q460R.
Identifiers: ClinVar variation 632151 (VCV000632151.10), dbSNP rs771613910, ClinGen allele CA6343478.
Genomic context (GRCh38, chr11:124,872,932, plus strand): 5'-TTCCTCTCTCAGCCTCTTTGGATGGGCTGCCTCCTGTCATCCTCCAGGGACCAGCCAATC[A>G]GACGCTGGTGCTTGGCTCCTCCGTGTGGCTGCCCTGCAGAGTGACTGGGAACCCTCAACC-3'
Protein context (NP_071765.2, residues 450-470): PPVILQGPAN[Gln460Arg]TLVLGSSVWL

ClinVar aggregate classification (germline): Conflicting classifications of pathogenicity. Review status: criteria provided, conflicting classifications (1 of 4 stars). 4 submissions from 4 submitters: Likely pathogenic (2); Likely benign (2). Last evaluated 2026-06-01.

Conditions:
Gaze palsy, familial horizontal, with progressive scoliosis 1 (HGPPS1). Identifiers: Orphanet 2744, MedGen C4551964, MONDO:0020790, OMIM 607313.

Allele frequency attached by ClinVar (database versions not stated): gnomAD 0.00001; ExAC 0.00002; gnomAD exomes 0.00002.
gnomAD v4.1: 24 of 1,612,364 alleles (0.0015%); highest among the groups gnomAD compares: Middle Eastern, 0.36%; 2 homozygotes.

Submissions (4):

CeGaT Center for Human Genetics Tuebingen
Classification: Likely benign. Last evaluated: 2026-06-01. Review status: criteria provided, single submitter. Criteria: CeGaT Center For Human Genetics Tuebingen Variant Classification Criteria Version 2. Collection method: clinical testing. Allele origin: germline. Affected: yes. Observed: 1 variant allele.
Comment: ROBO3: BP4, BS2

Women's Health and Genetics/Laboratory Corporation of America, LabCorp
Classification: Likely benign. Last evaluated: 2025-11-26. Review status: criteria provided, single submitter. Criteria: LabCorp Variant Classification Summary - May 2015. Collection method: clinical testing. Allele origin: germline.
Comment: Variant summary: ROBO3 c.1379A>G (p.Gln460Arg) results in a conservative amino acid change in the encoded protein sequence. Algorithms developed to predict the effect of missense changes on protein structure and function are either unavailable or do not agree on the potential impact of this missense change. The variant allele was found at a frequency of 1.6e-05 in 1460042 control chromosomes in the gnomAD database, including 2 homozygotes. This frequency is not significantly higher than estimated for disease-causing variants in ROBO3, allowing no conclusion about variant significance. c.1379A>G has been observed in homozygous individual(s) affected with Gaze Palsy, Familial Horizontal, With Progressive Scoliosis, 1 (Abu-Amero_2009). However, it has also been observed as homozygous in multiple individuals from a healthy cohort (Abouelhoda_2016). To our knowledge, no experimental evidence demonstrating an impact on protein function has been reported. The following publications have been ascertained in the context of this evaluation (PMID: 27884173, 18829051). ClinVar contains an entry for this variant (Variation ID: 632151). Based on the evidence outlined above, the variant was classified as likely benign.

First Genomix Gene Laboratory, Genetic Diagnostics Department
Classification: Likely pathogenic for Gaze palsy, familial horizontal, with progressive scoliosis 1. Last evaluated: 2025-08-18. Review status: criteria provided, single submitter. Criteria: ACMG Guidelines, 2015. Collection method: clinical testing. Allele origin: germline. Inheritance: Autosomal recessive inheritance. Affected: no. Observed: 1 variant allele.

Institute of Human Genetics, University of Leipzig Medical Center
Classification: Likely pathogenic for Gaze palsy, familial horizontal, with progressive scoliosis 1. Last evaluated: 2021-01-09. Review status: criteria provided, single submitter. Criteria: ACMG Guidelines, 2015. Collection method: curation. Allele origin: germline. Inheritance: Autosomal recessive inheritance. Affected: yes.
Comment: This ROBO3 variant was reported as Pathogenicâ€‹ in PMID: 18829051 with original nomenclature reported as c.1379A>G, Q460R. Variant was re-classified as Likely Pathogenic based on the criteria PM2_Supporting, PM3_Moderate, PP3_Supporting, PP4_Supporting.

Literature cited by the submitters: PubMed 27884173 (cited by Women's Health and Genetics/Laboratory Corporation of America, LabCorp); PubMed 18829051 (cited by Women's Health and Genetics/Laboratory Corporation of America, LabCorp and Institute of Human Genetics, University of Leipzig Medical Center).